The following is an entry in ClinVar:

NM_170606.3(KMT2C):c.2710C>T (p.Arg904Ter)

Gene: KMT2C (lysine methyltransferase 2C; minus strand). Cytogenetic location: 7q36.1.
Variant type: single nucleotide variant.
Coding change: c.2710C>T on transcript NM_170606.3 (MANE Select); coding-DNA position 2710, C replaced by T.
Protein change: p.Arg904Ter; replaces arginine 904 with a stop codon.
Molecular consequence: nonsense.
Genome position (GRCh38, 1-based): chr7:152,235,876, G>A on the plus strand (C>T on the coding strand, the complement: KMT2C is on the minus strand). VCF-style: chr7-152235876-G-A. GRCh37 (hg19) VCF-style: chr7-151932961-G-A.
Other names: NC_000007.13:g.151932961G>A; short protein forms R904*.
Identifiers: ClinVar variation 2658233 (VCV002658233.25), dbSNP rs200662726, ClinGen allele CA4581070.
Genomic context (GRCh38, chr7:152,235,876, plus strand): 5'-CCCCAGGTAATACAACAGCTCCGATTCCACTTTTCAGCTTTGACCTGCCTCGGCCACCTC[G>A]CCCCGACAGTCCTGCACCTCGAGGTCTCCGCTTTCCTGGAAATCCAGACCCACGGCCCTA-3'

ClinVar aggregate classification (germline): Benign (1 of 4 stars; one submission).

Submissions (2):

CeGaT Center for Human Genetics Tuebingen
Classification: Benign. Last evaluated: 2023-10-01. Review status: criteria provided, single submitter. Criteria: CeGaT Center For Human Genetics Tuebingen Variant Classification Criteria Version 2. Collection method: clinical testing. Allele origin: germline. Affected: yes. Observed: 2 variant alleles.
Comment: KMT2C: BS1, BS2

Dr. Peter K. Rogan Lab, Western University
No classification provided (evidence only). Condition: Cholangiocarcinoma. Review status: no classification provided. Collection method: in vitro. Allele origin: not applicable. Functional consequence: retained intron. Not counted in ClinVar's aggregate classification.